The following is an entry in ClinVar:

ClinVar aggregate classification (germline): Uncertain significance (1 of 4 stars; one submission).

Conditions:
Neurodevelopmental disorder with or without early-onset generalized epilepsy. Identifiers: MedGen C5436914, MONDO:0030930, OMIM 619157.

gnomAD v4.1: 2 of 1,610,750 alleles (0.00012%); highest among the groups gnomAD compares: Non-Finnish European, 0.00017%; no homozygotes.

Submission:

New York Genome Center
Classification: Uncertain significance for Neurodevelopmental disorder with or without early-onset generalized epilepsy. Last evaluated: 2020-02-11. Review status: criteria provided, single submitter. Criteria: NYGC Assertion Criteria 2020. Collection method: clinical testing. Allele origin: inherited. Observed: 1 heterozygote. Study: CSER-NYCKidSeq.
Comment: The c.4406G>A, p.Arg1469Gln missense variant in the NBEA gene has not been reported in the available literature. The variant is absent from the gnomAD database, indicating this is a rare allele. In silico tools predict a deleterious effect. Based on the available evidence, the c.4406G>A, p.Arg1469Gln variant in the NBEA gene is classified as a variant of uncertain significance.

NM_001385012.1(NBEA):c.4406G>A (p.Arg1469Gln)

Gene: NBEA (neurobeachin; plus strand). Cytogenetic location: 13q13.3.
Variant type: single nucleotide variant.
Coding change: c.4406G>A on transcript NM_001385012.1 (MANE Select); coding-DNA position 4406, G replaced by A.
Protein change: p.Arg1469Gln; replaces arginine 1469 with glutamine.
Molecular consequence: missense variant.
Genome position (GRCh38, 1-based): chr13:35,171,435, G>A. VCF-style: chr13-35171435-G-A. GRCh37 (hg19) VCF-style: chr13-35745572-G-A.
Other names: c.4397G>A, p.Arg1466Gln (NM_001379245.1); c.4406G>A, p.Arg1469Gln (NM_015678.5); short protein forms R1466Q, R1469Q.
Identifiers: ClinVar variation 983366 (VCV000983366.2), dbSNP rs2070454395, ClinGen allele CA387842108.